The following is an entry in ClinVar:

ClinVar aggregate classification (germline): Benign. Review status: criteria provided, single submitter (1 of 4 stars). 3 submissions from 1 submitter: Benign (3). Last evaluated 2018-01-13.

Conditions:
Paroxysmal extreme pain disorder (PEXPD). Also called: PAIN, SUBMANDIBULAR, OCULAR, AND RECTAL, WITH FLUSHING; RECTAL PAIN, FAMILIAL; SCN9A Paroxysmal Extreme Pain Disorder (SCN9A-PEPD). Identifiers: Orphanet 46348, MedGen C1833661, MONDO:0008179, OMIM 167400.
Channelopathy-associated congenital insensitivity to pain, autosomal recessive. Also called: Insensitivity to pain, channelopathy-associated; ASYMBOLIA FOR PAIN; CONGENITAL ANALGESIA, AUTOSOMAL RECESSIVE. Identifiers: Orphanet 88642, Orphanet 970, MedGen C1855739, MONDO:0009459, OMIM 243000.
Primary erythromelalgia. Also called: SCN9A Erythromelalgia (SCN9A-EM); primary erythermalgia. Identifiers: Orphanet 306577, Orphanet 90026, MedGen C0014805, MONDO:0007571, OMIM 133020.

Allele frequency attached by ClinVar (database versions not stated): gnomAD 0.00561 and 0.00713; TOPMed 0.00633; 1000 Genomes Project 0.01438; 1000 Genomes Project 30x 0.01468.

Submissions (3):

Illumina Laboratory Services, Illumina
Classification: Benign for Primary erythromelalgia. Last evaluated: 2018-01-13. Review status: criteria provided, single submitter. Criteria: ICSL Variant Classification Criteria 13 December 2019. Collection method: clinical testing. Allele origin: germline.
Comment: This variant was observed in the ICSL laboratory as part of a predisposition screen in an ostensibly healthy population. It had not been previously curated by ICSL or reported in the Human Gene Mutation Database (HGMD: prior to June 1st, 2018), and was therefore a candidate for classification through an automated scoring system. Utilizing variant allele frequency, disease prevalence and penetrance estimates, and inheritance mode, an automated score was calculated to assess if this variant is too frequent to cause the disease. Based on the score and internal cut-off values, a variant classified as benign is not then subjected to further curation. The score for this variant resulted in a classification of benign for this disease.

Illumina Laboratory Services, Illumina
Classification: Benign for Channelopathy-associated congenital insensitivity to pain, autosomal recessive. Last evaluated: 2018-01-13. Review status: criteria provided, single submitter. Criteria: ICSL Variant Classification Criteria 13 December 2019. Collection method: clinical testing. Allele origin: germline.
Comment: the same text as in the submission from Illumina Laboratory Services, Illumina above.

Illumina Laboratory Services, Illumina
Classification: Benign for Paroxysmal extreme pain disorder. Last evaluated: 2018-01-13. Review status: criteria provided, single submitter. Criteria: ICSL Variant Classification Criteria 13 December 2019. Collection method: clinical testing. Allele origin: germline.
Comment: the same text as in the submission from Illumina Laboratory Services, Illumina above.

NM_001365536.1(SCN9A):c.*2323G>T

Genes: SCN1A-AS1 (SCN1A and SCN9A antisense RNA 1; plus strand), SCN9A (sodium voltage-gated channel alpha subunit 9; minus strand). Cytogenetic location: 2q24.3.
Variant type: single nucleotide variant.
Coding change: c.*2323G>T on transcript NM_001365536.1 (MANE Select); 2323 bases downstream of the stop codon, G replaced by T.
Molecular consequence: 3 prime UTR variant.
Genome position (GRCh38, 1-based): chr2:166,196,349, C>A on the plus strand (G>T on the coding strand, the complement: SCN9A is on the minus strand). VCF-style: chr2-166196349-C-A. GRCh37 (hg19) VCF-style: chr2-167052859-C-A.
Other names: c.*2323G>T (NM_002977.4).
Identifiers: ClinVar variation 331911 (VCV000331911.6), dbSNP rs142172527, ClinGen allele CA10611591.